The following is an entry in ClinVar:

NM_022124.6(CDH23):c.4324_4325insG (p.Lys1442fs)

Gene: CDH23 (cadherin related 23; plus strand). Cytogenetic location: 10q22.1.
Variant type: Insertion.
Coding change: c.4324_4325insG on transcript NM_022124.6 (MANE Select); coding-DNA positions 4324 to 4325, G inserted.
Protein change: p.Lys1442fs; shifts the reading frame from lysine 1442.
Molecular consequence: frameshift variant.
Genome position: GRCh38 VCF-style: chr10-71738612-A-AG. GRCh37 (hg19) VCF-style: chr10-73498369-A-AG.
Other names: short protein forms K1442fs.
Identifiers: ClinVar variation 3601350 (VCV003601350.1).

ClinVar aggregate classification (germline): Likely pathogenic (1 of 4 stars; one submission).

Conditions:
Autosomal recessive nonsyndromic hearing loss 12. Also called: DEAFNESS, AUTOSOMAL RECESSIVE 12. Identifiers: Orphanet 90636, MedGen C1832394, MONDO:0011067, OMIM 601386.

Submission:

Institute of Rare Diseases, West China Hospital, Sichuan University
Classification: Likely pathogenic for Autosomal recessive nonsyndromic hearing loss 12. Last evaluated: 2025-01-09. Review status: criteria provided, single submitter. Criteria: ClinGen HL ACMG Specifications v1. Collection method: research. Allele origin: germline. Affected: yes.
Comment: PVS1;PM2_Supporting